The following is an entry in ClinVar:

ClinVar aggregate classification (germline): not provided (0 of 4 stars; one submission).

Conditions:
Normal pregnancy. Identifiers: MedGen C0232989.

Submission:

Institute of Molecular and Cell Biology, University of Tartu
No classification provided. Condition: Normal pregnancy. Review status: no classification provided. Collection method: case-control. Allele origin: unknown. Affected: yes. Study: Kasak2014.
Comment: The study aimed to determine the contribution of copy number variants in the genetic etiology of normal and complicated pregnancies. The samples represented (i) maternal blood DNA drawn from healthy pregnant women during 1st or 2nd trimester and (ii) maternal and paternal blood DNA drawn at term pregnancy cases representing normal and complicated gestations (severe preeclampsia, PE; gestational diabetes, GD; small-for-gestational age newborn, SGA; large-for-gestational age newborn, LGA). We performed CNV calling based on genome-wide genotyping dataset (Illumina HumanOmniExpress-24-v1 BeadChip) by applying three algorithms, QuantiSNP, GADA (Genome Alteration Detection Algorithm) and CNstream in parallel. The acquired CNV calls were merged with HD-CNV (Hotspot Detector for Copy Number Variants) program and only the CNVs predicted by at least two programs, were considered in subsequent analysis.

Literature cited by the submitters: PubMed 25666259.

NM_203447.4(DOCK8):c.1680-13684_1680-12225del

Gene: DOCK8 (dedicator of cytokinesis 8; plus strand). Cytogenetic location: 9p24.3.
Variant type: Deletion.
Coding change: c.1680-13684_1680-12225del on transcript NM_203447.4 (MANE Select); 13684 bases into the intron before coding-DNA position 1680 through 12225 bases into the intron before coding-DNA position 1680, 1,460 bases deleted.
Molecular consequence: intron variant.
Genome position (GRCh38, 1-based): chr9:354,334-355,793, 1,460 bases deleted. GRCh37 (hg19): chr9:354,334-355,793.
Other names: c.1476-13684_1476-12225del (NM_001193536.2, NM_001190458.2).
Identifiers: ClinVar variation 157130 (VCV000157130.2), ClinGen allele CA212240.